The following is an entry in ClinVar:

NM_001330078.2(NRXN1):c.222C>T (p.Gly74=)

Gene: NRXN1 (neurexin 1; minus strand). Cytogenetic location: 2p16.3.
Variant type: single nucleotide variant.
Coding change: c.222C>T on transcript NM_001330078.2 (MANE Select); coding-DNA position 222, C replaced by T.
Protein change: p.Gly74=; no amino-acid change (glycine 74 retained).
Molecular consequence: synonymous variant.
Genome position (GRCh38, 1-based): chr2:51,028,052, G>A on the plus strand (C>T on the coding strand, the complement: NRXN1 is on the minus strand). VCF-style: chr2-51028052-G-A. GRCh37 (hg19) VCF-style: chr2-51255190-G-A.
Other names: p.G74G:GGC>GGT; c.222C>T, p.Gly74= (NM_001135659.3, NM_001330077.2, NM_001330079.2 and 15 more transcripts).
Identifiers: ClinVar variation 138553 (VCV000138553.45), dbSNP rs201592993, ClinGen allele CA292599.

ClinVar aggregate classification (germline): Benign/Likely benign. Review status: criteria provided, multiple submitters, no conflicts (2 of 4 stars). 8 submissions from 8 submitters: Benign (2); Likely benign (6). Last evaluated 2026-07-01.

Conditions:
Inborn genetic diseases. Identifiers: MedGen C0950123, MeSH D030342.
Pitt-Hopkins-like syndrome 2 (PTHSL2). Identifiers: Orphanet 221150, Orphanet 600663, MedGen C3280479, MONDO:0013690, OMIM 614325.

Allele frequency attached by ClinVar (database versions not stated): gnomAD exomes 0.00015 and 0.00037; ExAC 0.00045; 1000 Genomes Project 30x 0.00125; gnomAD 0.00126 and 0.00135; TOPMed 0.00137; 1000 Genomes Project 0.00140; ESP Exome Variant Server 0.00162.
gnomAD v4.1: 412 of 1,598,728 alleles (0.026%); highest among the groups gnomAD compares: African/African-American, 0.43%; no homozygotes.

Submissions (8):

CeGaT Center for Human Genetics Tuebingen
Classification: Likely benign. Last evaluated: 2026-07-01. Review status: criteria provided, single submitter. Criteria: CeGaT Center For Human Genetics Tuebingen Variant Classification Criteria Version 2. Collection method: clinical testing. Allele origin: germline. Affected: yes. Observed: 3 variant alleles.
Comment: NRXN1: BP4, BP7

Labcorp Genetics (formerly Invitae), Labcorp
Classification: Benign for Pitt-Hopkins-like syndrome 2. Last evaluated: 2026-01-22. Review status: criteria provided, single submitter. Criteria: Invitae Variant Classification Sherloc (09022015). Collection method: clinical testing. Allele origin: germline.

Blueprint Genetics
Classification: Likely benign. Last evaluated: 2024-09-18. Review status: criteria provided, single submitter. Criteria: ACMG Guidelines, 2015. Collection method: clinical testing. Allele origin: germline.

Illumina Laboratory Services, Illumina
Classification: Likely benign for Pitt-Hopkins-like syndrome 2. Last evaluated: 2018-01-13. Review status: criteria provided, single submitter. Criteria: ICSL Variant Classification Criteria 13 December 2019. Collection method: clinical testing. Allele origin: germline.
Comment: This variant was observed in the ICSL laboratory as part of a predisposition screen in an ostensibly healthy population. It had not been previously curated by ICSL or reported in the Human Gene Mutation Database (HGMD: prior to June 1st, 2018), and was therefore a candidate for classification through an automated scoring system. Utilizing variant allele frequency, disease prevalence and penetrance estimates, and inheritance mode, an automated score was calculated to assess if this variant is too frequent to cause the disease. Based on the score and internal cut-off values, a variant classified as likely benign is not then subjected to further curation. The score for this variant resulted in a classification of likely benign for this disease.

Ambry Genetics
Classification: Likely benign for Inborn genetic diseases. Last evaluated: 2017-07-18. Review status: criteria provided, single submitter. Criteria: Ambry Variant Classification Scheme 2023. Collection method: clinical testing. Allele origin: germline.

Genetic Services Laboratory, University of Chicago
Classification: Likely benign. Last evaluated: 2016-12-30. Review status: criteria provided, single submitter. Criteria: ACMG Guidelines, 2015. Collection method: clinical testing. Allele origin: germline. Affected: no.

Eurofins Ntd Llc (ga)
Classification: Likely benign. Last evaluated: 2016-04-06. Review status: criteria provided, single submitter. Criteria: EGL Classification Definitions 2015. Collection method: clinical testing. Allele origin: germline. Observed: 1 variant allele, 1 heterozygote.

GeneDx
Classification: Benign. Last evaluated: 2013-05-09. Review status: criteria provided, single submitter. Criteria: GeneDx Variant Classification (06012015). Collection method: clinical testing. Allele origin: germline. Affected: yes.
Comment: This variant is considered likely benign or benign based on one or more of the following criteria: it is a conservative change, it occurs at a poorly conserved position in the protein, it is predicted to be benign by multiple in silico algorithms, and/or has population frequency not consistent with disease.